The following is an entry in ClinVar:

ClinVar aggregate classification (germline): Uncertain significance (1 of 4 stars; one submission).

Conditions:
Primary ciliary dyskinesia. Also called: Ciliary dyskinesia. Identifiers: Orphanet 244, MedGen C0008780, MONDO:0016575, HP:0012265.

gnomAD v4.1: 2 of 1,614,114 alleles (0.00012%); highest among the groups gnomAD compares: South Asian, 0.0022%; no homozygotes.

Submission:

Department of Human Genetics, Hannover Medical School
Classification: Uncertain significance for Primary Ciliary Dyskinesia. Last evaluated: 2026-04-01. Review status: criteria provided, single submitter. Criteria: ACMG Guidelines, 2015. Collection method: research. Allele origin: germline. Affected: no.
Comment: Classification performed by HerediClassify using the following criteria:['PM2_supporting: Variant occures does not occur as homozygous in gnomAD.', 'PVS1_protein_strong: Transcript ENST00000642928 is not predicted to undergo NMD. Protein length change of 0.1640625 observed.']

NM_000611.6(CD59):c.323C>A (p.Ser108Ter)

Gene: CD59 (CD59 molecule (CD59 blood group); minus strand). Cytogenetic location: 11p13.
Variant type: single nucleotide variant.
Coding change: c.323C>A on transcript NM_000611.6 (MANE Select); coding-DNA position 323, C replaced by A.
Protein change: p.Ser108Ter; replaces serine 108 with a stop codon.
Molecular consequence: nonsense.
Genome position (GRCh38, 1-based): chr11:33,710,190, G>T on the plus strand (C>A on the coding strand, the complement: CD59 is on the minus strand). VCF-style: chr11-33710190-G-T. GRCh37 (hg19) VCF-style: chr11-33731736-G-T.
Other names: c.323C>A, p.Ser108Ter (NM_001127223.1, NM_001127225.2, NM_001127226.2 and 4 more transcripts); short protein forms S108*.
Identifiers: ClinVar variation 4880059 (VCV004880059.1).